The following is an entry in ClinVar:

NM_206933.4(USH2A):c.7047G>A (p.Trp2349Ter)

Gene: USH2A (usherin; minus strand). Cytogenetic location: 1q41.
Variant type: single nucleotide variant.
Coding change: c.7047G>A on transcript NM_206933.4 (MANE Select); coding-DNA position 7047, G replaced by A.
Protein change: p.Trp2349Ter; replaces tryptophan 2349 with a stop codon.
Molecular consequence: nonsense.
Genome position (GRCh38, 1-based): chr1:215,965,390, C>T on the plus strand (G>A on the coding strand, the complement: USH2A is on the minus strand). VCF-style: chr1-215965390-C-T. GRCh37 (hg19) VCF-style: chr1-216138732-C-T.
Other names: NM_206933.4:c.7047G>A; short protein forms W2349*.
Identifiers: ClinVar variation 2412695 (VCV002412695.4), dbSNP rs2527554353, ClinGen allele CA344852159.

ClinVar aggregate classification (germline): Pathogenic/Likely pathogenic. Review status: criteria provided, multiple submitters, no conflicts (2 of 4 stars). 4 submissions from 4 submitters: Pathogenic (3); Likely pathogenic (1). Last evaluated 2023-11-03.

Conditions:
USH2A-related disorder. Also called: USH2A-related disorders; USH2A-related condition. Identifiers: MedGen CN239332.
Retinal dystrophy. Also called: Inherited retinal dystrophy. Identifiers: Orphanet 71862, MedGen C0854723, MeSH D058499, MONDO:0019118, HP:0000556.
Usher syndrome type 2A. Also called: RETINAL DISEASE IN USHER SYNDROME TYPE IIA, MODIFIER OF; USHER SYNDROME, TYPE IIA. Identifiers: Orphanet 231178, Orphanet 886, MedGen C1848634, MONDO:0010169, OMIM 276901.
Retinitis pigmentosa 39 (RP39). Identifiers: Orphanet 791, MedGen C3151138, MONDO:0013436, OMIM 613809.

Submissions (4):

Myriad Genetics, Inc.
Classification: Pathogenic for USH2A-related disorder. Last evaluated: 2023-11-03. Review status: criteria provided, single submitter. Criteria: Myriad Autosomal Dominant, Autosomal Recessive and X-Linked Classification Criteria (2023). Collection method: clinical testing. Allele origin: unknown.
Comment: NM_206933.2(USH2A):c.7047G>A(W2349*) is expected to be pathogenic in the context of USH2A-related disorders. This variant is predicted to lead to an abnormal or absent protein product due to the creation of a premature termination codon in USH2A, a gene where loss-of-function variants are known to be pathogenic. Please note: this variant was assessed in the context of healthy population screening.

Baylor Genetics
Classification: Likely pathogenic for Retinitis pigmentosa 39. Last evaluated: 2023-10-05. Review status: criteria provided, single submitter. Criteria: ACMG Guidelines, 2015. Collection method: clinical testing. Allele origin: unknown.

Broad Center for Mendelian Genomics, Broad Institute of MIT and Harvard
Classification: Pathogenic for Usher syndrome type 2A. Last evaluated: 2023-01-25. Review status: criteria provided, single submitter. Criteria: ACMG Guidelines, 2015. Collection method: curation. Allele origin: germline. Inheritance: Autosomal recessive inheritance.
Comment: The p.Trp2349Ter variant in USH2A has not been reported in individuals with Usher syndrome type 2A.This variant was absent in large population studies. This nonsense variant leads to a premature termination codon at position 2349, which is predicted to lead to a truncated or absent protein. Loss of function of the USH2A gene is an established disease mechanism in autosomal recessive Usher syndrome type 2A. In summary, this variant meets criteria to be classified as pathogenic for autosomal recessive primary Usher syndrome type 2A. ACMG/AMP Criteria applied: PVS1, PM2_Supporting, PM3_Supporting (Richards 2015).

Institute of Human Genetics, Univ. Regensburg, Univ. Regensburg
Classification: Pathogenic for Retinal dystrophy. Last evaluated: 2021-01-01. Review status: criteria provided, single submitter. Criteria: ACMG Guidelines, 2015. Collection method: clinical testing. Allele origin: germline. Affected: yes.

Literature cited by the submitters: PubMed 34791078 (cited by Institute of Human Genetics, Univ. Regensburg, Univ. Regensburg).